The following is an entry in ClinVar:

NM_016929.5(CLIC5):c.334A>G (p.Asn112Asp)

Gene: CLIC5 (CLIC family member 5; minus strand). Cytogenetic location: 6p21.1.
Variant type: single nucleotide variant.
Coding change: c.334A>G on transcript NM_016929.5 (MANE Select); coding-DNA position 334, A replaced by G.
Protein change: p.Asn112Asp; replaces asparagine 112 with aspartic acid.
Molecular consequence: missense variant.
Genome position (GRCh38, 1-based): chr6:45,941,619, T>C on the plus strand (A>G on the coding strand, the complement: CLIC5 is on the minus strand). VCF-style: chr6-45941619-T-C. GRCh37 (hg19) VCF-style: chr6-45909356-T-C.
Other names: c.811A>G (NM_001114086.1); c.811A>G, p.Asn271Asp (NM_001114086.2, NM_001370650.1); c.334A>G, p.Asn112Asp (NM_001256023.2); c.217A>G, p.Asn73Asp (NM_001370649.1); short protein forms N112D, N271D, N73D.
Identifiers: ClinVar variation 548473 (VCV000548473.16), dbSNP rs564438778, ClinGen allele CA3836823.

ClinVar aggregate classification (germline): Conflicting classifications of pathogenicity. Review status: criteria provided, conflicting classifications (1 of 4 stars). 4 submissions from 4 submitters: Uncertain significance (1); Likely benign (2). 1 of the submissions does not count toward it. Last evaluated 2025-02-28.

Conditions:
CLIC5-related disorder. Also called: CLIC5-related condition.
Autosomal recessive nonsyndromic hearing loss 103. Also called: Deafness, autosomal recessive 103. Identifiers: Orphanet 90636, MedGen C4015050, MONDO:0014469, OMIM 616042.

Allele frequency attached by ClinVar (database versions not stated): gnomAD 0.00008 and 0.00025; TOPMed 0.00015; 1000 Genomes Project 30x 0.00125; 1000 Genomes Project 0.00160.
gnomAD v4.1: 608 of 1,613,972 alleles (0.038%); highest among the groups gnomAD compares: South Asian, 0.51%; 6 homozygotes.

Submissions (4):

Labcorp Genetics (formerly Invitae), Labcorp
Classification: Likely benign. Last evaluated: 2025-02-28. Review status: criteria provided, single submitter. Criteria: Invitae Variant Classification Sherloc (09022015). Collection method: clinical testing. Allele origin: germline.

Blueprint Genetics
Classification: Likely benign. Last evaluated: 2024-11-15. Review status: criteria provided, single submitter. Criteria: ACMG Guidelines, 2015. Collection method: clinical testing. Allele origin: germline.

Genomic Research Center, Shahid Beheshti University of Medical Sciences
Classification: Uncertain significance for Autosomal recessive nonsyndromic hearing loss 103. Last evaluated: 2018-03-05. Review status: criteria provided, single submitter. Criteria: ACMG Guidelines, 2015. Collection method: clinical testing. Allele origin: inherited. Affected: no. Observed: 1 variant allele.

PreventionGenetics, part of Exact Sciences
Classification: Likely benign for CLIC5-related condition. Last evaluated: 2019-12-05. Review status: no assertion criteria provided. Collection method: clinical testing. Allele origin: germline. Not counted in ClinVar's aggregate classification.
Comment: This variant is classified as likely benign based on ACMG/AMP sequence variant interpretation guidelines (Richards et al. 2015 PMID: 25741868, with internal and published modifications).